The following is an entry in ClinVar:

ClinVar aggregate classification (germline): Benign (1 of 4 stars; one submission).

Allele frequency attached by ClinVar (database versions not stated): 1000 Genomes Project 30x 0.14803; 1000 Genomes Project 0.14856; TOPMed 0.19142; gnomAD 0.19608 and 0.19761.
gnomAD v4.1: 159,454 of 752,588 alleles (21%); highest among the groups gnomAD compares: Non-Finnish European, 24%; 18,319 homozygotes.

Submission:

GeneDx
Classification: Benign. Last evaluated: 2018-06-19. Review status: criteria provided, single submitter. Criteria: GeneDx Variant Classification (06012015). Collection method: clinical testing. Allele origin: germline. Affected: yes.
Comment: This variant is considered likely benign or benign based on one or more of the following criteria: it is a conservative change, it occurs at a poorly conserved position in the protein, it is predicted to be benign by multiple in silico algorithms, and/or has population frequency not consistent with disease.

NM_000231.3(SGCG):c.505+149T>C

Gene: SGCG (sarcoglycan gamma; plus strand). Cytogenetic location: 13q12.12.
Variant type: single nucleotide variant.
Coding change: c.505+149T>C on transcript NM_000231.3 (MANE Select); 149 bases into the intron after coding-DNA position 505, T replaced by C.
Molecular consequence: intron variant.
Genome position (GRCh38, 1-based): chr13:23,279,627, T>C. VCF-style: chr13-23279627-T-C. GRCh37 (hg19) VCF-style: chr13-23853766-T-C.
Other names: c.559+149T>C (NM_001378244.1); c.505+149T>C (NM_001378245.1, NM_001378246.1).
Identifiers: ClinVar variation 670551 (VCV000670551.1), dbSNP rs61946706, ClinGen allele CA13805881.